The following is an entry in ClinVar:

ClinVar aggregate classification (germline): Pathogenic (1 of 4 stars; one submission).

Allele frequency attached by ClinVar (database versions not stated): TOPMed below 0.00001; gnomAD exomes 0.00001.

Submission:

Labcorp Genetics (formerly Invitae), Labcorp
Classification: Pathogenic. Last evaluated: 2023-08-19. Review status: criteria provided, single submitter. Criteria: Invitae Variant Classification Sherloc (09022015). Collection method: clinical testing. Allele origin: germline.
Comment: For these reasons, this variant has been classified as Pathogenic. This variant has not been reported in the literature in individuals affected with FREM2-related conditions. This variant is not present in population databases (gnomAD no frequency). This sequence change creates a premature translational stop signal (p.Ser1447Hisfs*2) in the FREM2 gene. It is expected to result in an absent or disrupted protein product. Loss-of-function variants in FREM2 are known to be pathogenic (PMID: 18203166, 26552811).

Literature cited by the submitters: PubMed 18203166; PubMed 26552811.

NM_207361.6(FREM2):c.4335_4338dup (p.Ser1447delinsHisTer)

Gene: FREM2 (FRAS1 related extracellular matrix 2; plus strand). Cytogenetic location: 13q13.3.
Variant type: Duplication.
Coding change: c.4335_4338dup on transcript NM_207361.6 (MANE Select); coding-DNA positions 4335 to 4338, 4 bases duplicated (CACT; older notation c.4335_4338dupCACT).
Protein change: p.Ser1447delinsHisTer.
Molecular consequence: nonsense.
Genome position (GRCh38, 1-based): chr13:38,691,679-38,691,682, CACT duplicated. VCF-style (leftmost placement, unchanged base first): chr13-38691678-G-GCACT. GRCh37 (hg19) VCF-style: chr13-39265815-G-GCACT.
Identifiers: ClinVar variation 2983972 (VCV002983972.3), dbSNP rs1869871757, ClinGen allele CA2085633008.